The following is an entry in ClinVar:

ClinVar aggregate classification (germline): Pathogenic/Likely pathogenic. Review status: criteria provided, multiple submitters, no conflicts (2 of 4 stars). 13 submissions from 12 submitters: Pathogenic (10); Likely pathogenic (2). 1 of the submissions does not count toward it. Last evaluated 2025-11-11.

Conditions:
Carcinoma of colon (CRC). Also called: Colon carcinoma; Colonic carcinoma. Identifiers: MedGen C0699790, MONDO:0002032.
Hereditary cancer-predisposing syndrome. Also called: Hereditary neoplastic syndrome; Tumor predisposition; Hereditary Cancer Syndrome; Neoplastic Syndromes, Hereditary. Identifiers: Orphanet 140162, MedGen C0027672, MeSH D009386, MONDO:0015356.
Familial adenomatous polyposis 2. Also called: MUTYH-related attenuated familial adenomatous polyposis; Adenomas, multiple colorectal; COLORECTAL ADENOMATOUS POLYPOSIS, AUTOSOMAL RECESSIVE; ADENOMAS, MULTIPLE COLORECTAL, AUTOSOMAL RECESSIVE; FAP type 2; MUTYH-associated polyposis. Identifiers: Orphanet 220460, Orphanet 247798, MedGen C3272841, MONDO:0012041, OMIM 608456.
Familial cancer of breast. Also called: BREAST CANCER, FAMILIAL; hereditary breast carcinoma; Hereditary breast cancer. Identifiers: Orphanet 227535, MedGen C0346153, MONDO:0016419, OMIM 114480. Disease mechanism: loss of function.

Submissions (13):

Labcorp Genetics (formerly Invitae), Labcorp
Classification: Pathogenic for Familial adenomatous polyposis 2. Last evaluated: 2025-11-11. Review status: criteria provided, single submitter. Criteria: Invitae Variant Classification Sherloc (09022015). Collection method: clinical testing. Allele origin: germline.
Comment: This sequence change creates a premature translational stop signal (p.Ala287Profs*32) in the MUTYH gene. It is expected to result in an absent or disrupted protein product. Loss-of-function variants in MUTYH are known to be pathogenic (PMID: 18534194, 20663686). This variant is present in population databases (rs761468459, gnomAD 0.003%). This premature translational stop signal has been observed in individual(s) with polyposis (PMID: 16557584). This variant is also known as c.817delG, p.A273PfsX32. ClinVar contains an entry for this variant (Variation ID: 433934). For these reasons, this variant has been classified as Pathogenic.

All of Us Research Program, National Institutes of Health
Classification: Pathogenic for Familial adenomatous polyposis 2. Last evaluated: 2024-07-29. Review status: criteria provided, single submitter. Criteria: ACMG Guidelines, 2015. Collection method: clinical testing. Allele origin: germline. Inheritance: Autosomal recessive inheritance. Observed: 1 variant allele, 1 heterozygote.
Comment: This variant deletes 1 nucleotide in exon 10 of the MUTYH gene, creating a frameshift and premature translation stop signal. This variant is expected to result in an absent or non-functional protein product. This variant (also known as c.817del in the literature) has been reported in an individual affected with MUTYH-associated polyposis (PMID: 16557584). This variant has also been identified in 1/250896 chromosomes in the general population by the Genome Aggregation Database (gnomAD). Loss of MUTYH function is a known mechanism of disease. Based on the available evidence, this variant is classified as Pathogenic.

This study involves interpretation of variants in research participants for the purpose of population health screening. Participant phenotype was not available at the time of variant classification. Additional details can be found in publication PMID: 35346344, PMCID: PMC8962531

Color Diagnostics, LLC DBA Color Health
Classification: Pathogenic for Hereditary cancer-predisposing syndrome. Last evaluated: 2024-06-20. Review status: criteria provided, single submitter. Criteria: ACMG Guidelines, 2015. Collection method: clinical testing. Allele origin: germline.
Comment: This variant deletes 1 nucleotide in exon 10 of the MUTYH gene, creating a frameshift and premature translation stop signal. This variant is expected to result in an absent or non-functional protein product. This variant (also known as c.817del in the literature) has been reported in an individual affected with MUTYH-associated polyposis (PMID: 16557584). This variant has also been identified in 1/250896 chromosomes in the general population by the Genome Aggregation Database (gnomAD). Loss of MUTYH function is a known mechanism of disease. Based on the available evidence, this variant is classified as Pathogenic.

Department of Genetics and Molecular Biology, Isfahan University of Medical Sciences
Classification: Pathogenic for Familial cancer of breast. Last evaluated: 2024-05-10. Review status: criteria provided, single submitter. Criteria: ACMG Guidelines, 2015. Collection method: clinical testing. Allele origin: germline. Inheritance: Autosomal dominant inheritance. Affected: yes. Observed: 1 heterozygote.
Comment: Analyzing the data obtained from exome sequencing (ES) identified a heterozygous frameshift variant (c.859delG, p. A287Pfs*32) in exon 10 of MUTYH gene. This one nucleotide deletion causes termination of translation at amino acid 318 of 549, and therefore not catalytically competent. Alanine 287 resides within the iron-sulfur (Fe-S) cluster loop (FCL) domain, a critical region that mediates both DNA binding and base excision repair functions of the protein. This variant was previously reported in a family with several cases affected with familial adenomatous polyposis (FAP) in homozygous status. While, herein this variant is the cause of breast cancer in a multi-cancer family in heterozygous status. Furthermore, the pathogenicity effects of this variant was confirmed according to the ACMG guidelines (PMID:25741868, met PVS1, PS4, PM2 and PP3 criteria). The segregation of the detected variant with the phenotype (breast cancer in four patients in the same family) was confirmed using the Sanger sequencing method.

GeneDx
Classification: Pathogenic. Last evaluated: 2023-11-25. Review status: criteria provided, single submitter. Criteria: GeneDx Variant Classification Process June 2021. Collection method: clinical testing. Allele origin: germline. Affected: yes.
Comment: Frameshift variant predicted to result in protein truncation or nonsense mediated decay in a gene for which loss of function is a known mechanism of disease; Not observed at significant frequency in large population cohorts (gnomAD); Observed in the heterozygous state in an individual with a history of polyposis (PMID: 16557584); Also known as 817delG; This variant is associated with the following publications: (PMID: 16557584)

Human Genetics Bochum, Ruhr University Bochum
Classification: Pathogenic for Familial adenomatous polyposis 2. Last evaluated: 2023-06-15. Review status: criteria provided, single submitter. Criteria: ACMG Guidelines, 2015. Collection method: clinical testing. Allele origin: germline. Affected: yes.
Comment: ACMG criteria used to clasify this variant:PVS1, PS4_SUP, PM2_SUP

Ambry Genetics
Classification: Pathogenic for Hereditary cancer-predisposing syndrome. Last evaluated: 2023-02-02. Review status: criteria provided, single submitter. Criteria: Ambry Variant Classification Scheme 2023. Collection method: clinical testing. Allele origin: germline.
Comment: The c.859delG variant, located in coding exon 10 of the MUTYH gene, results from a deletion of one nucleotide at nucleotide position 859, causing a translational frameshift with a predicted alternate stop codon (p.A287Pfs*32). This variant (designated as MUTYH c.817delG p.A273PfsX32) has been reported in the heterozygous state in one individual with a clinical diagnosis of familial adenomatous polyposis (Aretz S et al. Int. J. Cancer. 2006 Aug;119:807-14). In addition to the clinical data presented in the literature, this alteration is expected to result in loss of function by premature protein truncation or nonsense-mediated mRNA decay. As such, this alteration is interpreted as a disease-causing mutation.

Baylor Genetics
Classification: Pathogenic for Familial adenomatous polyposis 2. Last evaluated: 2022-10-14. Review status: criteria provided, single submitter. Criteria: ACMG Guidelines, 2015. Collection method: clinical testing. Allele origin: unknown.

Sema4
Classification: Likely pathogenic for Hereditary cancer-predisposing syndrome. Last evaluated: 2022-02-10. Review status: criteria provided, single submitter. Criteria: Sema4 Curation Guidelines. Collection method: curation. Allele origin: germline.
Comment: The MUTYH c.859delG (p.A287PfsX32) variant has been reported as heterozygous in at least one individual with polyposis (PMID: 16557584). It is also known as c.817delG in the literature. This variant causes a frameshift at amino acid 287 that results in premature termination 32 amino acids downstream. At this location, this is predicted to cause nonsense-mediated decay and result in an absent protein (loss of function). Loss-of-function variants in MUTYH are known to be pathogenic (PMID: 18534194, 20663686). This variant was observed in 1/30616 chromosomes in the South Asian population, according to the Genome Aggregation Database (PMID: 27535533). This variant has been reported in ClinVar (Variation ID:433934). Based on the current evidence available, this variant is interpreted as likely pathogenic.

CeGaT Center for Human Genetics Tuebingen
Classification: Pathogenic. Last evaluated: 2020-08-01. Review status: criteria provided, single submitter. Criteria: CeGaT Center For Human Genetics Tuebingen Variant Classification Criteria Version 2. Collection method: clinical testing. Allele origin: germline. Affected: yes. Observed: 1 variant allele.

Department of Pathology and Laboratory Medicine, Sinai Health System
Classification: Pathogenic for Familial adenomatous polyposis 2. Last evaluated: 2019-04-01. Review status: criteria provided, single submitter. Criteria: ACMG Guidelines, 2015. Collection method: research. Allele origin: germline.

Laboratory for Molecular Medicine, Mass General Brigham Personalized Medicine
Classification: Likely pathogenic for Familial adenomatous polyposis 2. Last evaluated: 2018-09-06. Review status: criteria provided, single submitter. Criteria: LMM Criteria. Collection method: clinical testing. Allele origin: germline. Observed: 1 variant allele.
Comment: The p.Ala287ProfsX32 variant in MUTYH has been reported in the heterozygous stat e in one individuals with familial adenomatouspolyposis (Aretz 20016). It has al so been identified in 1/30782 of South Asian chromosomes by gnomAD. This variant is predicted to cause a frameshift, which al ters the protein?s amino acid sequence beginning at position 287 and leads to a premature termination codon 32 amino acids downstream. This alteration is then p redicted to lead to a truncated or absent protein. In summary, although addition al studies are required to fully establish its clinical significance, the p.Ala2 87ProfsX32 variant is likely pathogenic. ACMG/AMP Criteria applied: PVS1, PM2.

Department of Pathology and Laboratory Medicine, Sinai Health System
Classification: Pathogenic for Carcinoma of colon. Review status: no assertion criteria provided. Collection method: clinical testing. Allele origin: unknown. Affected: yes. Observed: 1 variant allele. Study: The Canadian Open Genetics Repository (COGR). Not counted in ClinVar's aggregate classification.
Comment: The MUTYH p.Ala287ProfsX32 variant was identified in 1 of 658 proband chromosomes (frequency: 0.002) from individuals or families with MUTYH associated polyposis, and was not identified in 116 control chromosomes from healthy individuals (Aretz 2006). The p.Ala287ProfsX32 variant was also identified in HGMD and the â€šÃ„ÃºInSiGHT Colon Cancer Databaseâ€šÃ„Ã¹. The p.Ala287ProfsX32 variant is predicted to cause a frameshift, which alters the protein's amino acid sequence beginning at codon 287 and leads to a premature stop codon 32 codons downstream. This alteration is then predicted to result in a truncated or absent protein and loss of function. Loss of function variants in the MUTYH gene are an established mechanism of disease in MUTYH-associated polyposis. In summary, based on the above information, this variant meets our laboratoryâ€šÃ„Ã´s criteria to be classified as pathogenic.

Literature cited by the submitters: PubMed 18534194 (cited by Labcorp Genetics (formerly Invitae), Labcorp and Sema4); PubMed 20663686 (cited by Labcorp Genetics (formerly Invitae), Labcorp and Sema4); PubMed 16557584 (cited by 6 submitters); DOI 10.1089/gte.2007.9995 (cited by Department of Genetics and Molecular Biology, Isfahan University of Medical Sciences).

NM_001048174.2(MUTYH):c.775del (p.Ala259fs)

Gene: MUTYH (mutY DNA glycosylase; minus strand). Cytogenetic location: 1p34.1.
Variant type: Deletion.
Coding change: c.775del on transcript NM_001048174.2 (MANE Select); coding-DNA position 775, one base deleted (G; older notation c.775delG).
Protein change: p.Ala259fs; shifts the reading frame from alanine 259.
Molecular consequence: frameshift variant. On other transcripts: non-coding transcript variant (2).
Genome position (GRCh38, 1-based): chr1:45,332,240, C deleted on the plus strand (G on the coding strand, the reverse complement: MUTYH is on the minus strand); the first of 4 consecutive C bases (chr1:45,332,240-45,332,243); deleting any one gives the same sequence. VCF-style (leftmost placement, unchanged base first): chr1-45332239-GC-G. GRCh37 (hg19) VCF-style: chr1-45797911-GC-G.
Other names: c.859delG (NM_001128425.1); c.775del, p.Ala259fs (NM_001048171.2, NM_001048173.2, NM_001293195.2); c.778del, p.Ala260fs (NM_001048172.2); c.859del, p.Ala287fs (NM_001128425.2); c.820del, p.Ala274fs (NM_001293190.2); c.808del, p.Ala270fs (NM_001293191.2); c.499del, p.Ala167fs (NM_001293192.2, NM_001293196.2); c.430del, p.Ala144fs (NM_001350650.2, NM_001350651.2); and 1 more; short protein forms A274fs, A270fs, A144fs, A260fs, A287fs, A167fs, A259fs, A284fs.
Identifiers: ClinVar variation 433934 (VCV000433934.69), dbSNP rs761468459, ClinGen allele CA059378.
Genomic context (GRCh38, chr1:45,332,239, plus strand): 5'-CGGCACAGGCTCTCCACAGGGCACTGGCTGCACAGTGGGCGCTGTGGGGTACACACTGTG[GC>G]CCCTAGCTCCATGGCTGCTTGGTTGAAATCTCCTGGCCGGGCTGGGTCCACCAGCTGCTG-3'